The following is an entry in ClinVar:

NM_002234.4(KCNA5):c.689A>G (p.Asn230Ser)

Gene: KCNA5 (potassium voltage-gated channel subfamily A member 5; plus strand). Cytogenetic location: 12p13.32.
Variant type: single nucleotide variant.
Coding change: c.689A>G on transcript NM_002234.4 (MANE Select); coding-DNA position 689, A replaced by G.
Protein change: p.Asn230Ser; replaces asparagine 230 with serine.
Molecular consequence: missense variant.
Genome position (GRCh38, 1-based): chr12:5,044,836, A>G. VCF-style: chr12-5044836-A-G. GRCh37 (hg19) VCF-style: chr12-5154002-A-G.
Other names: short protein forms N230S.
Identifiers: ClinVar variation 1042694 (VCV001042694.8), dbSNP rs1431311668, ClinGen allele CA383464954.

ClinVar aggregate classification (germline): Uncertain significance (1 of 4 stars; one submission).

Conditions:
Atrial fibrillation, familial, 7 (ATFB7). Identifiers: MedGen C2677106, MONDO:0012828, OMIM 612240.

Allele frequency attached by ClinVar (database versions not stated): TOPMed 0.00001.

Submission:

Labcorp Genetics (formerly Invitae), Labcorp
Classification: Uncertain significance for Atrial fibrillation, familial, 7. Last evaluated: 2025-06-22. Review status: criteria provided, single submitter. Criteria: Invitae Variant Classification Sherloc (09022015). Collection method: clinical testing. Allele origin: germline.
Comment: This sequence change replaces asparagine, which is neutral and polar, with serine, which is neutral and polar, at codon 230 of the KCNA5 protein (p.Asn230Ser). This variant is not present in population databases (gnomAD no frequency). This variant has not been reported in the literature in individuals affected with KCNA5-related conditions. ClinVar contains an entry for this variant (Variation ID: 1042694). Invitae Evidence Modeling of protein sequence and biophysical properties (such as structural, functional, and spatial information, amino acid conservation, physicochemical variation, residue mobility, and thermodynamic stability) indicates that this missense variant is not expected to disrupt KCNA5 protein function with a negative predictive value of 80%. In summary, the available evidence is currently insufficient to determine the role of this variant in disease. Therefore, it has been classified as a Variant of Uncertain Significance.